The following is an entry in ClinVar:

NM_005359.6(SMAD4):c.1059C>A (p.Tyr353Ter)

Gene: SMAD4 (SMAD family member 4; plus strand). Cytogenetic location: 18q21.2.
Variant type: single nucleotide variant.
Coding change: c.1059C>A on transcript NM_005359.6 (MANE Select); coding-DNA position 1059, C replaced by A.
Protein change: p.Tyr353Ter; replaces tyrosine 353 with a stop codon.
Molecular consequence: nonsense. On other transcripts: non-coding transcript variant (2).
Genome position (GRCh38, 1-based): chr18:51,065,526, C>A. VCF-style: chr18-51065526-C-A. GRCh37 (hg19) VCF-style: chr18-48591896-C-A.
Other names: c.1059C>A, p.Tyr353Ter (NM_001407041.1, NM_001407042.1, NM_001407043.1); short protein forms Y353*.
Identifiers: ClinVar variation 3254301 (VCV003254301.2), dbSNP rs863224400.
Genomic context (GRCh38, chr18:51,065,526, plus strand): 5'-TCAGGTAGGAGAGACATTTAAGGTTCCTTCAAGCTGCCCTATTGTTACTGTTGATGGATA[C>A]GTGGACCCTTCTGGAGGAGATCGCTTTTGTTTGGGTCAACTCTCCAATGTCCACAGGACA-3'

ClinVar aggregate classification (germline): Pathogenic. Review status: criteria provided, multiple submitters, no conflicts (2 of 4 stars). 2 submissions from 2 submitters: Pathogenic (2). Last evaluated 2024-12-19.

Conditions:
Familial thoracic aortic aneurysm and aortic dissection (TAAD). Also called: Thoracic aortic aneurysms and dissections. Identifiers: Orphanet 91387, MedGen C4707243, MONDO:0019625.
Hereditary cancer-predisposing syndrome. Also called: Neoplastic Syndromes, Hereditary; Tumor predisposition; Hereditary neoplastic syndrome; Hereditary Cancer Syndrome. Identifiers: Orphanet 140162, MedGen C0027672, MeSH D009386, MONDO:0015356.
Juvenile polyposis/hereditary hemorrhagic telangiectasia syndrome (JPHT). Also called: JP/HHT SYNDROME; JUVENILE POLYPOSIS WITH HEREDITARY HEMORRHAGIC TELANGIECTASIA; POLYPOSIS, GENERALIZED JUVENILE, WITH PULMONARY ARTERIOVENOUS MALFORMATION; TELANGIECTASIA, HEREDITARY HEMORRHAGIC, WITH JUVENILE POLYPOSIS COLI; Juvenile Polyposis Syndrome / Hereditary Hemorrhagic Telangiectasia (JPS/HHT). Identifiers: Orphanet 2929, MedGen C1832942, MONDO:0008278, OMIM 175050.

Submissions (2):

Ambry Genetics
Classification: Pathogenic for Hereditary cancer-predisposing syndrome; Familial thoracic aortic aneurysm and aortic dissection. Last evaluated: 2024-12-19. Review status: criteria provided, single submitter. Criteria: Ambry Variant Classification Scheme 2023. Collection method: clinical testing. Allele origin: germline.
Comment: The p.Y353* pathogenic mutation (also known as c.1059C>A), located in coding exon 8 of the SMAD4 gene, results from a C to A substitution at nucleotide position 1059. This changes the amino acid from a tyrosine to a stop codon within coding exon 8. This variant is considered to be rare based on population cohorts in the Genome Aggregation Database (gnomAD).This alteration is expected to result in loss of function by premature protein truncation or nonsense-mediated mRNA decay. As such, this alteration is interpreted as a disease-causing mutation.

Myriad Genetics, Inc.
Classification: Pathogenic for Juvenile polyposis/hereditary hemorrhagic telangiectasia syndrome. Last evaluated: 2024-04-16. Review status: criteria provided, single submitter. Criteria: Myriad Autosomal Dominant, Autosomal Recessive and X-Linked Classification Criteria (2023). Collection method: clinical testing. Allele origin: unknown.
Comment: This variant is considered pathogenic. This variant creates a termination codon and is predicted to result in premature protein truncation.